The following is an entry in ClinVar:

ClinVar aggregate classification (germline): Uncertain significance (1 of 4 stars; one submission).

Submission:

GeneDx
Classification: Uncertain significance. Last evaluated: 2024-12-10. Review status: criteria provided, single submitter. Criteria: GeneDx Variant Classification Process June 2021. Collection method: clinical testing. Allele origin: germline. Affected: yes.
Comment: Not observed at significant frequency in large population cohorts (gnomAD); In silico analysis supports that this missense variant has a deleterious effect on protein structure/function; Has not been previously published as pathogenic or benign to our knowledge

NM_003573.2(LTBP4):c.274G>C (p.Gly92Arg)

Gene: LTBP4 (latent transforming growth factor beta binding protein 4; plus strand). Cytogenetic location: 19q13.2.
Variant type: single nucleotide variant.
Coding change: c.274G>C on transcript NM_003573.2; coding-DNA position 274, G replaced by C.
Protein change: p.Gly92Arg; replaces glycine 92 with arginine.
Molecular consequence: missense variant.
Genome position (GRCh38, 1-based): chr19:40,600,111, G>C. VCF-style: chr19-40600111-G-C. GRCh37 (hg19) VCF-style: chr19-41106017-G-C.
Other names: c.385G>C, p.Gly129Arg (NM_001042544.1); short protein forms G129R, G92R.
Identifiers: ClinVar variation 3902920 (VCV003902920.1).